The following is an entry in ClinVar:

ClinVar aggregate classification (germline): Uncertain significance (1 of 4 stars; one submission).

Submission:

Labcorp Genetics (formerly Invitae), Labcorp
Classification: Uncertain significance. Last evaluated: 2024-07-03. Review status: criteria provided, single submitter. Criteria: Invitae Variant Classification Sherloc (09022015). Collection method: clinical testing. Allele origin: germline.
Comment: This sequence change replaces proline, which is neutral and non-polar, with arginine, which is basic and polar, at codon 79 of the HOXB13 protein (p.Pro79Arg). This variant is not present in population databases (gnomAD no frequency). This variant has not been reported in the literature in individuals affected with HOXB13-related conditions. Advanced modeling of protein sequence and biophysical properties (such as structural, functional, and spatial information, amino acid conservation, physicochemical variation, residue mobility, and thermodynamic stability) performed at Invitae indicates that this missense variant is not expected to disrupt HOXB13 protein function with a negative predictive value of 80%. In summary, the available evidence is currently insufficient to determine the role of this variant in disease. Therefore, it has been classified as a Variant of Uncertain Significance.

NM_006361.6(HOXB13):c.236C>G (p.Pro79Arg)

Gene: HOXB13 (homeobox B13; minus strand). Cytogenetic location: 17q21.32.
Variant type: single nucleotide variant.
Coding change: c.236C>G on transcript NM_006361.6 (MANE Select); coding-DNA position 236, C replaced by G.
Protein change: p.Pro79Arg; replaces proline 79 with arginine.
Molecular consequence: missense variant.
Genome position (GRCh38, 1-based): chr17:48,728,358, G>C on the plus strand (C>G on the coding strand, the complement: HOXB13 is on the minus strand). VCF-style: chr17-48728358-G-C. GRCh37 (hg19) VCF-style: chr17-46805720-G-C.
Other names: short protein forms P79R.
Identifiers: ClinVar variation 3658610 (VCV003658610.2).
Genomic context (GRCh38, chr17:48,728,358, plus strand): 5'-GGTTTCAGCGAGCTCCGGGACACTCGGCAGGAGTAGTACCCGCCTCCAAAGTAACCATAA[G>C]GCACGGGAGCTGGGGACGTCCCCTGGGGCACCCCAGGGCATGGGTGGCATTGCTTTGGCG-3'
Protein context (NP_006352.2, residues 69-89): VPQGTSPAPV[Pro79Arg]YGYFGGGYYS